The following is an entry in ClinVar:

NM_001852.4(COL9A2):c.1792+3G>T

Gene: COL9A2 (collagen type IX alpha 2 chain; minus strand). Cytogenetic location: 1p34.2.
Variant type: single nucleotide variant.
Coding change: c.1792+3G>T on transcript NM_001852.4 (MANE Select); 3 bases into the intron after coding-DNA position 1792, G replaced by T.
Molecular consequence: intron variant.
Genome position (GRCh38, 1-based): chr1:40,302,618, C>A on the plus strand (G>T on the coding strand, the complement: COL9A2 is on the minus strand). VCF-style: chr1-40302618-C-A. GRCh37 (hg19) VCF-style: chr1-40768290-C-A.
Identifiers: ClinVar variation 3047663 (VCV003047663.2), dbSNP rs1241767480, ClinGen allele CA522802808.

ClinVar aggregate classification (germline): Uncertain significance (0 of 4 stars; one submission).

Conditions:
COL9A2-related disorder. Also called: COL9A2-related condition.

Allele frequency attached by ClinVar (database versions not stated): gnomAD exomes below 0.00001.

Submission:

PreventionGenetics, part of Exact Sciences
Classification: Uncertain significance for COL9A2-related condition. Last evaluated: 2023-11-13. Review status: no assertion criteria provided. Collection method: clinical testing. Allele origin: germline.
Comment: The COL9A2 c.1792+3G>T variant is predicted to interfere with splicing. This variant is predicted to only slightly weaken the strength of the splice donor site (SpliceAI, Jaganathan et al. 2019. PubMed ID: 30661751). To our knowledge, this variant has not been reported in the literature. This variant is reported in 0.012% of alleles in individuals of East Asian descent in gnomAD. At this time, the clinical significance of this variant is uncertain due to the absence of conclusive functional and genetic evidence.